The following is an entry in ClinVar:

ClinVar aggregate classification (germline): Likely benign (0 of 4 stars; one submission).

Conditions:
ERCC1-related disorder. Also called: ERCC1-related condition.

Allele frequency attached by ClinVar (database versions not stated): gnomAD 0.00002; TOPMed 0.00002; gnomAD exomes 0.00004; ExAC 0.00005; 1000 Genomes Project 30x 0.00016; 1000 Genomes Project 0.00020.
gnomAD v4.1: 60 of 1,612,560 alleles (0.0037%); highest among the groups gnomAD compares: Non-Finnish European, 0.0047%; no homozygotes.

Submission:

PreventionGenetics, part of Exact Sciences
Classification: Likely benign for ERCC1-related condition. Last evaluated: 2019-09-03. Review status: no assertion criteria provided. Collection method: clinical testing. Allele origin: germline.
Comment: This variant is classified as likely benign based on ACMG/AMP sequence variant interpretation guidelines (Richards et al. 2015 PMID: 25741868, with internal and published modifications).

NM_001983.4(ERCC1):c.333C>T (p.Pro111=)

Gene: ERCC1 (ERCC excision repair 1, endonuclease non-catalytic subunit; minus strand). Cytogenetic location: 19q13.32.
Variant type: single nucleotide variant.
Coding change: c.333C>T on transcript NM_001983.4 (MANE Select); coding-DNA position 333, C replaced by T.
Protein change: p.Pro111=; no amino-acid change (proline 111 retained).
Molecular consequence: synonymous variant.
Genome position (GRCh38, 1-based): chr19:45,420,416, G>A on the plus strand (C>T on the coding strand, the complement: ERCC1 is on the minus strand). VCF-style: chr19-45420416-G-A. GRCh37 (hg19) VCF-style: chr19-45923674-G-A.
Other names: c.333C>T, p.Pro111= (NM_001166049.2, NM_001369408.1, NM_001369409.1 and 11 more transcripts).
Identifiers: ClinVar variation 3053329 (VCV003053329.2), dbSNP rs200767762, ClinGen allele CA9515480.